The following is an entry in ClinVar:

ClinVar aggregate classification (germline): Pathogenic/Likely pathogenic. Review status: criteria provided, multiple submitters, no conflicts (2 of 4 stars). 2 submissions from 2 submitters: Pathogenic (1); Likely pathogenic (1). Last evaluated 2025-10-09.

Conditions:
Tay-Sachs disease (TSD). Also called: HEXA DEFICIENCY; GM2 gangliosidosis, type 1; Hexosaminidase alpha-subunit deficiency (variant B); Sphingolipidosis, Tay-Sachs; Hexosaminidase A Deficiency; HEXA Disorders. Identifiers: Orphanet 845, MedGen C0039373, MONDO:0010100, OMIM 272800.

Submissions (2):

Natera, Inc.
Classification: Likely pathogenic for Tay-Sachs disease. Last evaluated: 2025-10-09. Review status: criteria provided, single submitter. Criteria: Natera Variant Classification Schema (03/2026). Collection method: clinical testing. Allele origin: germline.
Comment: The c.1257dup variant in HEXA is a frameshift variant predicted to shift the reading frame beginning at codon 420 and leads to a stop codon 11 codons downstream. This variant is expected to result in nonsense mediated decay, truncation, or a dysfunctional protein product. This variant is rare in the general population with a frequency below the threshold expected for the associated phenotype(s). Given the available evidence, this variant is classified as Likely Pathogenic.

Labcorp Genetics (formerly Invitae), Labcorp
Classification: Pathogenic for Tay-Sachs disease. Last evaluated: 2024-01-03. Review status: criteria provided, single submitter. Criteria: Invitae Variant Classification Sherloc (09022015). Collection method: clinical testing. Allele origin: germline.
Comment: This sequence change creates a premature translational stop signal (p.Trp420Leufs*11) in the HEXA gene. It is expected to result in an absent or disrupted protein product. Loss-of-function variants in HEXA are known to be pathogenic (PMID: 1833974, 8490625). This variant is not present in population databases (gnomAD no frequency). This variant has not been reported in the literature in individuals affected with HEXA-related conditions. For these reasons, this variant has been classified as Pathogenic.

Literature cited by the submitters: PubMed 1833974 (cited by Labcorp Genetics (formerly Invitae), Labcorp); PubMed 8490625 (cited by Labcorp Genetics (formerly Invitae), Labcorp).

NM_000520.6(HEXA):c.1257dup (p.Trp420fs)

Gene: HEXA (hexosaminidase subunit alpha; minus strand). Cytogenetic location: 15q23.
Variant type: Duplication.
Coding change: c.1257dup on transcript NM_000520.6 (MANE Select); coding-DNA position 1257, one base duplicated (C; older notation c.1257dupC).
Protein change: p.Trp420fs; shifts the reading frame from tryptophan 420.
Molecular consequence: frameshift variant.
Genome position (GRCh38, 1-based): chr15:72,346,600, G duplicated on the plus strand (C on the coding strand, the reverse complement: HEXA is on the minus strand); the first of 5 consecutive G bases (chr15:72,346,600-72,346,604); duplicating any one gives the same sequence. VCF-style (leftmost placement, unchanged base first): chr15-72346599-A-AG. GRCh37 (hg19) VCF-style: chr15-72638940-A-AG.
Other names: c.1290dup, p.Trp431fs (NM_001318825.2); c.1257dup (NM_000520.5); short protein forms W420fs, W431fs.
Identifiers: ClinVar variation 2707139 (VCV002707139.4), dbSNP rs2542514275, ClinGen allele CA2697549197.
Genomic context (GRCh38, chr15:72,346,599, plus strand): 5'-GGGGTTCCACTATGTAGAAATCCTTCCAGTCAGGGCCATAGGATATACGGTTCAGGTACC[A>AG]GGGGGCAGAGAGAAGGGCCCGGAAGCCGGCCTTGGTGACCAGTTCCAGCTCCTTCATATA-3'